The following is an entry in ClinVar:

ClinVar aggregate classification (germline): Likely pathogenic (1 of 4 stars; one submission).

Conditions:
Charcot-Marie-Tooth disease type 4F. Also called: Charcot-Marie-Tooth disease, demyelinating, type 4F. Identifiers: Orphanet 99952, MedGen C3540453, MONDO:0013959, OMIM 614895.

Submission:

Centre for Mendelian Genomics, University Medical Centre Ljubljana
Classification: Likely pathogenic for Charcot-Marie-Tooth disease type 4F. Last evaluated: 2019-09-25. Review status: criteria provided, single submitter. Criteria: ACMG Guidelines, 2015. Collection method: clinical testing. Allele origin: unknown. Affected: yes.
Comment: This variant was classified as: Likely pathogenic. The following ACMG criteria were applied in classifying this variant: PVS1,PM2.

NM_181882.3(PRX):c.1561C>T (p.Gln521Ter)

Gene: PRX (periaxin; minus strand). Cytogenetic location: 19q13.2.
Variant type: single nucleotide variant.
Coding change: c.1561C>T on transcript NM_181882.3 (MANE Select); coding-DNA position 1561, C replaced by T.
Protein change: p.Gln521Ter; replaces glutamine 521 with a stop codon.
Molecular consequence: nonsense. On other transcripts: 3 prime UTR variant (1).
Genome position (GRCh38, 1-based): chr19:40,396,791, G>A on the plus strand (C>T on the coding strand, the complement: PRX is on the minus strand). VCF-style: chr19-40396791-G-A. GRCh37 (hg19) VCF-style: chr19-40902698-G-A.
Other names: c.*1766C>T (NM_020956.2); short protein forms Q521*.
Identifiers: ClinVar variation 930783 (VCV000930783.3), dbSNP rs200483634, ClinGen allele CA405898142.